The following is an entry in ClinVar:

NC_000006.11:g.(?_47471016)_(47471176_?)del

Gene: CD2AP (CD2 associated protein; plus strand). Cytogenetic location: 6p12.3.
Variant type: Deletion.
Identifiers: ClinVar variation 2425759 (VCV002425759.4).

ClinVar aggregate classification (germline): Pathogenic (1 of 4 stars; one submission).

Submission:

Labcorp Genetics (formerly Invitae), Labcorp
Classification: Pathogenic. Last evaluated: 2022-11-11. Review status: criteria provided, single submitter. Criteria: Invitae Variant Classification Sherloc (09022015). Collection method: clinical testing. Allele origin: germline.
Comment: For these reasons, this variant has been classified as Pathogenic. This variant has not been reported in the literature in individuals affected with CD2AP-related conditions. This variant is a gross deletion of the genomic region encompassing exon(s) 2 of the CD2AP gene. This deletion is out-of-frame, and is expected to create a premature termination codon and result in an absent or disrupted protein product. Loss-of-function variants in CD2AP are known to be pathogenic (PMID: 10514378, 12764198, 17713465, 19131354, 30612599, 34408996).

Literature cited by the submitters: PubMed 10514378; PubMed 12764198; PubMed 17713465; PubMed 19131354; PubMed 30612599; PubMed 34408996.